The following is an entry in ClinVar:

NM_014049.5(ACAD9):c.898C>G (p.Leu300Val)

Genes: ACAD9 (acyl-CoA dehydrogenase family member 9; plus strand), LOC126806807 (BRD4-independent group 4 enhancer GRCh37_chr3:128620937-128622136; plus strand). Cytogenetic location: 3q21.3.
Variant type: single nucleotide variant.
Coding change: c.898C>G on transcript NM_014049.5 (MANE Select); coding-DNA position 898, C replaced by G.
Protein change: p.Leu300Val; replaces leucine 300 with valine.
Molecular consequence: missense variant. On other transcripts: non-coding transcript variant (1).
Genome position (GRCh38, 1-based): chr3:128,902,568, C>G. VCF-style: chr3-128902568-C-G. GRCh37 (hg19) VCF-style: chr3-128621411-C-G.
Other names: c.529C>G, p.Leu177Val (NM_001410805.1); c.898C>G (NM_014049.4); short protein forms L177V, L300V.
Identifiers: ClinVar variation 1708989 (VCV001708989.5), dbSNP rs764679450, ClinGen allele CA2601336.
Genomic context (GRCh38, chr3:128,902,568, plus strand): 5'-TCTGCCTCCTTCAGGGCCCCTGGGCTCTCCCTGTTCTCCCTGCAGGTGGCCATGAACATC[C>G]TCAACAGCGGCCGGTTCAGCATGGGCAGCGTCGTGGCTGGGCTGCTCAAGAGATTGATTG-3'
Protein context (NP_054768.2, residues 290-310): GDGFKVAMNI[Leu300Val]NSGRFSMGSV

ClinVar aggregate classification (germline): Uncertain significance. Review status: criteria provided, multiple submitters, no conflicts (2 of 4 stars). 3 submissions from 3 submitters: Uncertain significance (3). Last evaluated 2025-08-02.

Conditions:
Inborn genetic diseases. Identifiers: MedGen C0950123, MeSH D030342.
Acyl-CoA dehydrogenase 9 deficiency. Also called: MITOCHONDRIAL COMPLEX I DEFICIENCY, NUCLEAR TYPE 20; Acyl-CoA dehydrogenase family, member 9, deficiency of. Identifiers: Orphanet 99901, MedGen C4747517, MONDO:0012624, OMIM 611126.

Allele frequency attached by ClinVar (database versions not stated): TOPMed 0.00001; ExAC 0.00002.
gnomAD v4.1: 2 of 1,614,218 alleles (0.00012%); highest among the groups gnomAD compares: Admixed American, 0.0033%; no homozygotes.

Submissions (3):

Ambry Genetics
Classification: Uncertain significance for Inborn genetic diseases. Last evaluated: 2025-08-02. Review status: criteria provided, single submitter. Criteria: Ambry Variant Classification Scheme 2023. Collection method: clinical testing. Allele origin: germline.

Labcorp Genetics (formerly Invitae), Labcorp
Classification: Uncertain significance. Last evaluated: 2022-06-04. Review status: criteria provided, single submitter. Criteria: Invitae Variant Classification Sherloc (09022015). Collection method: clinical testing. Allele origin: germline.
Comment: This sequence change replaces leucine, which is neutral and non-polar, with valine, which is neutral and non-polar, at codon 300 of the ACAD9 protein (p.Leu300Val). This variant is present in population databases (rs764679450, gnomAD 0.006%). This variant has not been reported in the literature in individuals affected with ACAD9-related conditions. Advanced modeling of protein sequence and biophysical properties (such as structural, functional, and spatial information, amino acid conservation, physicochemical variation, residue mobility, and thermodynamic stability) performed at Invitae indicates that this missense variant is expected to disrupt ACAD9 protein function. In summary, the available evidence is currently insufficient to determine the role of this variant in disease. Therefore, it has been classified as a Variant of Uncertain Significance.

MGZ Medical Genetics Center
Classification: Uncertain significance for Acyl-CoA dehydrogenase 9 deficiency. Last evaluated: 2022-03-10. Review status: criteria provided, single submitter. Criteria: ACMG Guidelines, 2015. Collection method: clinical testing. Allele origin: germline. Affected: yes. Observed: 1 variant allele.
Comment: ACMG criteria applied: PM2_SUP, PP3